The following is an entry in ClinVar:

ClinVar aggregate classification (germline): Benign/Likely benign. Review status: criteria provided, multiple submitters, no conflicts (2 of 4 stars). 8 submissions from 7 submitters: Benign (6); Likely benign (1). 1 of the submissions does not count toward it. Last evaluated 2026-01-14.

Conditions:
Emery-Dreifuss muscular dystrophy 4, autosomal dominant (EDMD4). Also called: EMERY-DREIFUSS MUSCULAR DYSTROPHY 4 WITH VARIABLE FEATURES. Identifiers: Orphanet 261, MedGen C2751807, MONDO:0013071, OMIM 612998.
Autosomal recessive ataxia, Beauce type. Also called: SYNE1 Deficiency; Spinocerebellar ataxia, autosomal recessive 8; ATAXIA, RECESSIVE, OF BEAUCE; SYNE1-Related Autosomal Recessive Cerebellar Ataxia. Identifiers: Orphanet 88644, MedGen C1853116, MONDO:0012549, OMIM 610743.
SYNE1-related disorder. Also called: SYNE1-related disease; SYNE1-related condition; SYNE1-related disorders.

Allele frequency attached by ClinVar (database versions not stated): gnomAD exomes 0.00049 and 0.00133; ExAC 0.00173; gnomAD 0.00495 and 0.00528; 1000 Genomes Project 30x 0.00515; 1000 Genomes Project 0.00519; TOPMed 0.00549; ESP Exome Variant Server 0.00623.
gnomAD v4.1: 1,503 of 1,614,190 alleles (0.093%); highest among the groups gnomAD compares: African/African-American, 1.6%; 13 homozygotes.

Submissions (8):

Labcorp Genetics (formerly Invitae), Labcorp
Classification: Benign for Emery-Dreifuss muscular dystrophy 4, autosomal dominant; Autosomal recessive ataxia, Beauce type. Last evaluated: 2026-01-14. Review status: criteria provided, single submitter. Criteria: Invitae Variant Classification Sherloc (09022015). Collection method: clinical testing. Allele origin: germline.

Blueprint Genetics
Classification: Likely benign. Last evaluated: 2024-11-26. Review status: criteria provided, single submitter. Criteria: ACMG Guidelines, 2015. Collection method: clinical testing. Allele origin: germline.

Genetic Services Laboratory, University of Chicago
Classification: Benign. Last evaluated: 2021-02-23. Review status: criteria provided, single submitter. Criteria: ACMG Guidelines, 2015. Collection method: clinical testing. Allele origin: germline. Affected: no.

Athena Diagnostics
Classification: Benign. Last evaluated: 2018-09-30. Review status: criteria provided, single submitter. Criteria: Athena Diagnostics Criteria. Collection method: clinical testing. Allele origin: germline.

Illumina Laboratory Services, Illumina
Classification: Benign for Emery-Dreifuss muscular dystrophy 4, autosomal dominant. Last evaluated: 2018-01-13. Review status: criteria provided, single submitter. Criteria: ICSL Variant Classification Criteria 13 December 2019. Collection method: clinical testing. Allele origin: germline.
Comment: This variant was observed in the ICSL laboratory as part of a predisposition screen in an ostensibly healthy population. It had not been previously curated by ICSL or reported in the Human Gene Mutation Database (HGMD: prior to June 1st, 2018), and was therefore a candidate for classification through an automated scoring system. Utilizing variant allele frequency, disease prevalence and penetrance estimates, and inheritance mode, an automated score was calculated to assess if this variant is too frequent to cause the disease. Based on the score and internal cut-off values, a variant classified as benign is not then subjected to further curation. The score for this variant resulted in a classification of benign for this disease.

Illumina Laboratory Services, Illumina
Classification: Benign for Autosomal recessive ataxia, Beauce type. Last evaluated: 2018-01-13. Review status: criteria provided, single submitter. Criteria: ICSL Variant Classification Criteria 13 December 2019. Collection method: clinical testing. Allele origin: germline.
Comment: the same text as in the submission from Illumina Laboratory Services, Illumina above.

GeneDx
Classification: Benign. Last evaluated: 2017-11-07. Review status: criteria provided, single submitter. Criteria: GeneDx Variant Classification (06012015). Collection method: clinical testing. Allele origin: germline. Affected: yes.
Comment: This variant is considered likely benign or benign based on one or more of the following criteria: it is a conservative change, it occurs at a poorly conserved position in the protein, it is predicted to be benign by multiple in silico algorithms, and/or has population frequency not consistent with disease.

PreventionGenetics, part of Exact Sciences
Classification: Benign for SYNE1-related condition. Last evaluated: 2019-06-07. Review status: no assertion criteria provided. Collection method: clinical testing. Allele origin: germline. Not counted in ClinVar's aggregate classification.
Comment: This variant is classified as benign based on ACMG/AMP sequence variant interpretation guidelines (Richards et al. 2015 PMID: 25741868, with internal and published modifications).

NM_182961.4(SYNE1):c.9890C>T (p.Thr3297Met)

Gene: SYNE1 (spectrin repeat containing nuclear envelope protein 1; minus strand). Cytogenetic location: 6q25.2.
Variant type: single nucleotide variant.
Coding change: c.9890C>T on transcript NM_182961.4 (MANE Select); coding-DNA position 9890, C replaced by T.
Protein change: p.Thr3297Met; replaces threonine 3297 with methionine.
Molecular consequence: missense variant.
Genome position (GRCh38, 1-based): chr6:152,367,300, G>A on the plus strand (C>T on the coding strand, the complement: SYNE1 is on the minus strand). VCF-style: chr6-152367300-G-A. GRCh37 (hg19) VCF-style: chr6-152688435-G-A.
Other names: c.9911C>T, p.Thr3304Met (NM_033071.5); short protein forms T3297M, T3304M.
Identifiers: ClinVar variation 130454 (VCV000130454.24), dbSNP rs150912982, ClinGen allele CA231541.